The following is an entry in ClinVar:

NM_018979.4(WNK1):c.7003G>T (p.Ala2335Ser)

Gene: WNK1 (WNK lysine deficient protein kinase 1; plus strand). Cytogenetic location: 12p13.33.
Variant type: single nucleotide variant.
Coding change: c.7003G>T on transcript NM_018979.4 (MANE Select); coding-DNA position 7003, G replaced by T.
Protein change: p.Ala2335Ser; replaces alanine 2335 with serine.
Molecular consequence: missense variant.
Genome position (GRCh38, 1-based): chr12:908,646, G>T. VCF-style: chr12-908646-G-T. GRCh37 (hg19) VCF-style: chr12-1017812-G-T.
Other names: c.7783G>T, p.Ala2595Ser (NM_001184985.2); c.6259G>T, p.Ala2087Ser (NM_014823.3); c.7759G>T, p.Ala2587Ser (NM_213655.5); short protein forms A2335S, A2087S, A2595S, A2587S.
Identifiers: ClinVar variation 949576 (VCV000949576.9), dbSNP rs375901694, ClinGen allele CA383341105.

ClinVar aggregate classification (germline): Uncertain significance (1 of 4 stars; one submission).

Conditions:
Neuropathy, hereditary sensory and autonomic, type 2A (HSAN2A). Also called: MORVAN DISEASE; NEUROPATHY, CONGENITAL SENSORY; NEUROPATHY, HEREDITARY SENSORY RADICULAR, AUTOSOMAL RECESSIVE; NEUROPATHY, HEREDITARY SENSORY, TYPE IIA; NEUROPATHY, PROGRESSIVE SENSORY, OF CHILDREN; WNK1-Related HSAN2 (HSAN2A). Identifiers: Orphanet 970, MedGen C2752089, MONDO:0024309, OMIM 201300.
Pseudohypoaldosteronism type 2C (PHA2C). Also called: Pseudohypoaldosteronism Type IIC. Identifiers: Orphanet 757, Orphanet 88940, MedGen C1840391, MONDO:0013778, OMIM 614492.

Submission:

Labcorp Genetics (formerly Invitae), Labcorp
Classification: Uncertain significance for Neuropathy, hereditary sensory and autonomic, type 2A; Pseudohypoaldosteronism type 2C. Last evaluated: 2019-06-27. Review status: criteria provided, single submitter. Criteria: Invitae Variant Classification Sherloc (09022015). Collection method: clinical testing. Allele origin: germline.
Comment: In summary, the available evidence is currently insufficient to determine the role of this variant in disease. Therefore, it has been classified as a Variant of Uncertain Significance. Algorithms developed to predict the effect of missense changes on protein structure and function are either unavailable or do not agree on the potential impact of this missense change (SIFT: "Tolerated"; PolyPhen-2: "Not Available"; Align-GVGD: "Class C0"). This variant has not been reported in the literature in individuals with WNK1-related conditions. This variant is not present in population databases (ExAC no frequency). This sequence change replaces alanine with serine at codon 2587 of the WNK1 protein (p.Ala2587Ser). The alanine residue is weakly conserved and there is a moderate physicochemical difference between alanine and serine.